The following is an entry in ClinVar:

NM_000059.4(BRCA2):c.4900T>G (p.Phe1634Val)

Gene: BRCA2 (BRCA2 DNA repair associated; plus strand). Cytogenetic location: 13q13.1.
Variant type: single nucleotide variant.
Coding change: c.4900T>G on transcript NM_000059.4 (MANE Select); coding-DNA position 4900, T replaced by G.
Protein change: p.Phe1634Val; replaces phenylalanine 1634 with valine.
Molecular consequence: missense variant. On other transcripts: non-coding transcript variant (1), intron variant (2).
Genome position (GRCh38, 1-based): chr13:32,339,255, T>G. VCF-style: chr13-32339255-T-G. GRCh37 (hg19) VCF-style: chr13-32913392-T-G.
Other names: c.4900T>G, p.Phe1634Val (NM_001406719.1, NM_001406720.1); c.1910-5303T>G (NM_001406721.1); c.425-5303T>G (NM_001406722.1); short protein forms F1634V.
Identifiers: ClinVar variation 2451577 (VCV002451577.2), dbSNP rs1555283982, ClinGen allele CA387783554.

ClinVar aggregate classification (germline): Uncertain significance (1 of 4 stars; one submission).

Conditions:
Hereditary cancer-predisposing syndrome. Also called: Neoplastic Syndromes, Hereditary; Tumor predisposition; Hereditary neoplastic syndrome; Hereditary Cancer Syndrome. Identifiers: Orphanet 140162, MedGen C0027672, MeSH D009386, MONDO:0015356.

Submission:

Ambry Genetics
Classification: Uncertain significance for Hereditary cancer-predisposing syndrome. Last evaluated: 2023-02-28. Review status: criteria provided, single submitter. Criteria: Ambry Variant Classification Scheme 2023. Collection method: clinical testing. Allele origin: germline.
Comment: The p.F1634V variant (also known as c.4900T>G), located in coding exon 10 of the BRCA2 gene, results from a T to G substitution at nucleotide position 4900. The phenylalanine at codon 1634 is replaced by valine, an amino acid with highly similar properties. This amino acid position is conserved. In addition, this alteration is predicted to be tolerated by in silico analysis. Since supporting evidence is limited at this time, the clinical significance of this alteration remains unclear.